The following is an entry in ClinVar:

ClinVar aggregate classification (germline): Likely pathogenic. Review status: criteria provided, multiple submitters, no conflicts (2 of 4 stars). 2 submissions from 2 submitters: Likely pathogenic (2). Last evaluated 2018-07-01.

Conditions:
Tubulinopathy. Also called: Tubulinopathies. Identifiers: MedGen CN850169, MONDO:0100153.

Submissions (2):

Institute of Human Genetics, FAU Erlangen, Friedrich-Alexander-Universität Erlangen-Nürnberg
Classification: Likely pathogenic for Tubulinopathies. Last evaluated: 2018-07-01. Review status: criteria provided, single submitter. Criteria: ACMG Guidelines, 2015. Collection method: literature only. Allele origin: germline. Affected: yes. Observed: 1 variant allele.
Comment: The c.596A>G, p.(Asp199Gly) variant has been reported as a variant of germline/unknown origin.

Genomic Medicine Center of Excellence, King Faisal Specialist Hospital and Research Centre
Classification: Likely pathogenic. Review status: criteria provided, single submitter. Criteria: ACMG Guidelines, 2015. Collection method: research. Allele origin: germline. Affected: yes.

Literature cited by the submitters: PubMed 30744660 (cited by Institute of Human Genetics, FAU Erlangen, Friedrich-Alexander-Universität Erlangen-Nürnberg); DOI 10.1101/427948 (cited by Institute of Human Genetics, FAU Erlangen, Friedrich-Alexander-Universität Erlangen-Nürnberg).

NM_006009.4(TUBA1A):c.596A>G (p.Asp199Gly)

Gene: TUBA1A (tubulin alpha 1a; minus strand). Cytogenetic location: 12q13.12.
Variant type: single nucleotide variant.
Coding change: c.596A>G on transcript NM_006009.4 (MANE Select); coding-DNA position 596, A replaced by G.
Protein change: p.Asp199Gly; replaces aspartic acid 199 with glycine.
Molecular consequence: missense variant.
Genome position (GRCh38, 1-based): chr12:49,185,770, T>C on the plus strand (A>G on the coding strand, the complement: TUBA1A is on the minus strand). VCF-style: chr12-49185770-T-C. GRCh37 (hg19) VCF-style: chr12-49579553-T-C.
Other names: c.596A>G, p.Asp199Gly (NM_001270399.2); c.491A>G, p.Asp164Gly (NM_001270400.2); short protein forms D199G, D164G.
Identifiers: ClinVar variation 191038 (VCV000191038.2), dbSNP rs786205479, ClinGen allele CA235886.